The following is an entry in ClinVar:

ClinVar aggregate classification (germline): Benign/Likely benign. Review status: criteria provided, multiple submitters, no conflicts (2 of 4 stars). 5 submissions from 5 submitters: Benign (1); Likely benign (3). 1 of the submissions does not count toward it. Last evaluated 2026-01-30.

Conditions:
AK2-related disorder. Also called: AK2-related condition.
Reticular dysgenesis. Also called: ALEUKOCYTOSIS; CONGENITAL ALEUKIA; HEMATOPOIETIC HYPOPLASIA, GENERALIZED; RETICULAR DYSGENESIA; SEVERE COMBINED IMMUNODEFICIENCY WITH LEUKOPENIA; DeVaal disease. Identifiers: Orphanet 33355, MedGen C0272167, MONDO:0009973, OMIM 267500.

Allele frequency attached by ClinVar (database versions not stated): 1000 Genomes Project 30x 0.00078; ExAC 0.00088; gnomAD exomes 0.00094; 1000 Genomes Project 0.00100; ESP Exome Variant Server 0.00100; gnomAD 0.00110 and 0.00111; TOPMed 0.00117.
gnomAD v4.1: 2,584 of 1,614,104 alleles (0.16%); highest among the groups gnomAD compares: Non-Finnish European, 0.19%; 5 homozygotes.

Submissions (5):

Labcorp Genetics (formerly Invitae), Labcorp
Classification: Benign for Reticular dysgenesis. Last evaluated: 2026-01-30. Review status: criteria provided, single submitter. Criteria: Invitae Variant Classification Sherloc (09022015). Collection method: clinical testing. Allele origin: germline.

Blueprint Genetics
Classification: Likely benign. Last evaluated: 2024-11-18. Review status: criteria provided, single submitter. Criteria: ACMG Guidelines, 2015. Collection method: clinical testing. Allele origin: germline.

Mayo Clinic Laboratories, Mayo Clinic
Classification: Likely benign. Last evaluated: 2024-10-09. Review status: criteria provided, single submitter. Criteria: ACMG Guidelines, 2015. Collection method: clinical testing. Allele origin: germline. Observed: 1 variant allele.
Comment: BS1, BP4, BP7

CeGaT Center for Human Genetics Tuebingen
Classification: Likely benign. Last evaluated: 2024-03-01. Review status: criteria provided, single submitter. Criteria: CeGaT Center For Human Genetics Tuebingen Variant Classification Criteria Version 2. Collection method: clinical testing. Allele origin: germline. Affected: yes. Observed: 1 variant allele.
Comment: AK2: BP4, BP7

PreventionGenetics, part of Exact Sciences
Classification: Likely benign for AK2-related condition. Last evaluated: 2019-09-05. Review status: no assertion criteria provided. Collection method: clinical testing. Allele origin: germline. Not counted in ClinVar's aggregate classification.
Comment: This variant is classified as likely benign based on ACMG/AMP sequence variant interpretation guidelines (Richards et al. 2015 PMID: 25741868, with internal and published modifications).

NM_001625.4(AK2):c.255G>A (p.Lys85=)

Gene: AK2 (adenylate kinase 2; minus strand). Cytogenetic location: 1p35.1.
Variant type: single nucleotide variant.
Coding change: c.255G>A on transcript NM_001625.4 (MANE Select); coding-DNA position 255, G replaced by A.
Protein change: p.Lys85=; no amino-acid change (lysine 85 retained).
Molecular consequence: synonymous variant. On other transcripts: non-coding transcript variant (1).
Genome position (GRCh38, 1-based): chr1:33,021,668, C>T on the plus strand (G>A on the coding strand, the complement: AK2 is on the minus strand). VCF-style: chr1-33021668-C-T. GRCh37 (hg19) VCF-style: chr1-33487269-C-T.
Other names: p.Lys85=; c.255G>A, p.Lys85= (NM_001199199.3, NM_001319141.3, NM_001319143.2 and 1 more transcripts); c.111G>A, p.Lys37= (NM_001319139.3, NM_001319140.2); c.129G>A, p.Lys43= (NM_001319142.3).
Identifiers: ClinVar variation 460286 (VCV000460286.36), dbSNP rs41301072, ClinGen allele CA747200.